The following is an entry in ClinVar:

NM_021098.3(CACNA1H):c.5572G>A (p.Val1858Met)

Gene: CACNA1H (calcium voltage-gated channel subunit alpha1 H; plus strand). Cytogenetic location: 16p13.3.
Variant type: single nucleotide variant.
Coding change: c.5572G>A on transcript NM_021098.3 (MANE Select); coding-DNA position 5572, G replaced by A.
Protein change: p.Val1858Met; replaces valine 1858 with methionine.
Molecular consequence: missense variant.
Genome position (GRCh38, 1-based): chr16:1,218,336, G>A. VCF-style: chr16-1218336-G-A. GRCh37 (hg19) VCF-style: chr16-1268336-G-A.
Other names: c.5554G>A, p.Val1852Met (NM_001005407.2); c.5572G>A (NM_021098.2); short protein forms V1852M, V1858M.
Identifiers: ClinVar variation 4793090 (VCV004793090.2).
Genomic context (GRCh38, chr16:1,218,336, plus strand): 5'-GTCTACTTCGTGACCTTCGTGCTGGTGGCCCAGTTCGTGCTGGTGAACGTGGTGGTGGCC[G>A]TGCTCATGAAGCACCTGGAGGAGAGCAACAAGGAGGCACGGGAGGATGCGGAGCTGGACG-3'
Protein context (NP_066921.2, residues 1848-1868): QFVLVNVVVA[Val1858Met]LMKHLEESNK

ClinVar aggregate classification (germline): Uncertain significance. Review status: criteria provided, multiple submitters, no conflicts (2 of 4 stars). 2 submissions from 2 submitters: Uncertain significance (2). Last evaluated 2025-04-01.

Conditions:
Idiopathic generalized epilepsy. Also called: EIG; Generalised epilepsy. Identifiers: MedGen C0270850, MONDO:0005579, OMIM 600669.
Hyperaldosteronism, familial, type IV (HALD4). Also called: FH IV; ALDOSTERONISM, PRIMARY, AND HYPERTENSION. Identifiers: Orphanet 642671, MedGen C4310756, MONDO:0014875, OMIM 617027.

gnomAD v4.1: 11 of 1,560,886 alleles (0.0007%); highest among the groups gnomAD compares: South Asian, 0.0047%; no homozygotes.

Submissions (2):

GeneDx
Classification: Uncertain significance. Last evaluated: 2025-04-01. Review status: criteria provided, single submitter. Criteria: GeneDx Variant Classification Process June 2021. Collection method: clinical testing. Allele origin: germline.
Comment: In silico analysis supports that this missense variant has a deleterious effect on protein structure/function; Has not been previously published as pathogenic or benign to our knowledge

Labcorp Genetics (formerly Invitae), Labcorp
Classification: Uncertain significance for Idiopathic generalized epilepsy; Hyperaldosteronism, familial, type IV. Last evaluated: 2025-03-20. Review status: criteria provided, single submitter. Criteria: Invitae Variant Classification Sherloc (09022015). Collection method: clinical testing. Allele origin: germline.
Comment: This sequence change replaces valine, which is neutral and non-polar, with methionine, which is neutral and non-polar, at codon 1858 of the CACNA1H protein (p.Val1858Met). The frequency data for this variant in the population databases is considered unreliable, as metrics indicate poor data quality at this position in the gnomAD database. This variant has not been reported in the literature in individuals affected with CACNA1H-related conditions. Invitae Evidence Modeling of protein sequence and biophysical properties (such as structural, functional, and spatial information, amino acid conservation, physicochemical variation, residue mobility, and thermodynamic stability) has been performed for this missense variant. However, the output from this modeling did not meet the statistical confidence thresholds required to predict the impact of this variant on CACNA1H protein function. In summary, the available evidence is currently insufficient to determine the role of this variant in disease. Therefore, it has been classified as a Variant of Uncertain Significance.